The following is an entry in ClinVar:

NM_000256.3(MYBPC3):c.1743G>A (p.Gly581=)

Gene: MYBPC3 (myosin binding protein C3; minus strand). Cytogenetic location: 11p11.2.
Variant type: single nucleotide variant.
Coding change: c.1743G>A on transcript NM_000256.3 (MANE Select); coding-DNA position 1743, G replaced by A.
Protein change: p.Gly581=; no amino-acid change (glycine 581 retained).
Molecular consequence: synonymous variant.
Genome position (GRCh38, 1-based): chr11:47,342,038, C>T on the plus strand (G>A on the coding strand, the complement: MYBPC3 is on the minus strand). VCF-style: chr11-47342038-C-T. GRCh37 (hg19) VCF-style: chr11-47363589-C-T.
Identifiers: ClinVar variation 1083726 (VCV001083726.11), dbSNP rs2142860163, ClinGen allele CA474218786.
Genomic context (GRCh38, chr11:47,342,038, plus strand): 5'-CCTGCACACTCACCGCCCGATGTGGGACACCTTTATGCGGCTGTCGGGCACCAGCTCCTT[C>T]CCATTCTTCAGCCACACACCCCGAACATTCTCATCTGAGACCTCACATTTGAACACCGCC-3'
Protein context (NP_000247.2, residues 571-591): ENVRGVWLKN[Gly581=]KELVPDSRIK

ClinVar aggregate classification (germline): Likely benign. Review status: criteria provided, multiple submitters, no conflicts (2 of 4 stars). 3 submissions from 3 submitters: Likely benign (3). Last evaluated 2024-10-28.

Conditions:
Cardiovascular phenotype. Identifiers: MedGen CN230736.
Hypertrophic cardiomyopathy. Also called: HYPERTROPHIC MYOCARDIOPATHY. Identifiers: Orphanet 217569, MedGen C0007194, MeSH D002312, MONDO:0005045, HP:0001639.

Submissions (3):

Ambry Genetics
Classification: Likely benign for Cardiovascular phenotype. Last evaluated: 2024-10-28. Review status: criteria provided, single submitter. Criteria: Ambry Variant Classification Scheme 2023. Collection method: clinical testing. Allele origin: germline.

All of Us Research Program, National Institutes of Health
Classification: Likely benign for Hypertrophic cardiomyopathy. Last evaluated: 2023-04-10. Review status: criteria provided, single submitter. Criteria: ACMG Guidelines, 2015. Collection method: clinical testing. Allele origin: germline. Inheritance: Autosomal dominant inheritance. Observed: 1 variant allele, 1 heterozygote.
Comment: This study involves interpretation of variants in research participants for the purpose of population health screening. Participant phenotype was not available at the time of variant classification. Additional details can be found in publication PMID: 35346344, PMCID: PMC8962531

Labcorp Genetics (formerly Invitae), Labcorp
Classification: Likely benign for Hypertrophic cardiomyopathy. Last evaluated: 2020-06-29. Review status: criteria provided, single submitter. Criteria: Invitae Variant Classification Sherloc (09022015). Collection method: clinical testing. Allele origin: germline.